The following is an entry in ClinVar:

ClinVar aggregate classification (germline): Uncertain significance (1 of 4 stars; one submission).

Allele frequency attached by ClinVar (database versions not stated): TOPMed below 0.00001.

Submission:

Labcorp Genetics (formerly Invitae), Labcorp
Classification: Uncertain significance. Last evaluated: 2020-12-26. Review status: criteria provided, single submitter. Criteria: Invitae Variant Classification Sherloc (09022015). Collection method: clinical testing. Allele origin: germline.
Comment: This variant has not been reported in the literature in individuals with ASAH1-related conditions. This variant is not present in population databases (ExAC no frequency). This sequence change replaces lysine with glutamic acid at codon 267 of the ASAH1 protein (p.Lys267Glu). The lysine residue is highly conserved and there is a small physicochemical difference between lysine and glutamic acid. Algorithms developed to predict the effect of missense changes on protein structure and function are either unavailable or do not agree on the potential impact of this missense change (SIFT: "Deleterious"; PolyPhen-2: "Benign"; Align-GVGD: "Class C15"). In summary, the available evidence is currently insufficient to determine the role of this variant in disease. Therefore, it has been classified as a Variant of Uncertain Significance.

NM_177924.5(ASAH1):c.799A>G (p.Lys267Glu)

Gene: ASAH1 (N-acylsphingosine amidohydrolase 1; minus strand). Cytogenetic location: 8p22.
Variant type: single nucleotide variant.
Coding change: c.799A>G on transcript NM_177924.5 (MANE Select); coding-DNA position 799, A replaced by G.
Protein change: p.Lys267Glu; replaces lysine 267 with glutamic acid.
Molecular consequence: missense variant.
Genome position (GRCh38, 1-based): chr8:18,059,690, T>C on the plus strand (A>G on the coding strand, the complement: ASAH1 is on the minus strand). VCF-style: chr8-18059690-T-C. GRCh37 (hg19) VCF-style: chr8-17917199-T-C.
Other names: c.781A>G, p.Lys261Glu (NM_001127505.3); c.604A>G, p.Lys202Glu (NM_001363743.2); c.847A>G, p.Lys283Glu (NM_004315.6); short protein forms K267E, K261E, K202E, K283E.
Identifiers: ClinVar variation 1400371 (VCV001400371.8), dbSNP rs1799612911, ClinGen allele CA370428385.